The following is an entry in ClinVar:

NM_024915.4(GRHL2):c.1828A>T (p.Asn610Tyr)

Gene: GRHL2 (grainyhead like transcription factor 2; plus strand). Cytogenetic location: 8q22.3.
Variant type: single nucleotide variant.
Coding change: c.1828A>T on transcript NM_024915.4 (MANE Select); coding-DNA position 1828, A replaced by T.
Protein change: p.Asn610Tyr; replaces asparagine 610 with tyrosine.
Molecular consequence: missense variant. On other transcripts: intron variant (1).
Genome position (GRCh38, 1-based): chr8:101,666,653, A>T. VCF-style: chr8-101666653-A-T. GRCh37 (hg19) VCF-style: chr8-102678881-A-T.
Other names: c.1780A>T, p.Asn594Tyr (NM_001330593.2, NM_001440448.1); c.1763+2135A>T (NM_001440447.1); short protein forms N594Y, N610Y.
Identifiers: ClinVar variation 4705113 (VCV004705113.1).
Genomic context (GRCh38, chr8:101,666,653, plus strand): 5'-TTGGTGAACATGGATGACAACATCATCGAGCACTACTCGAACGAGGACACCTTCATCCTC[A>T]ACATGGAGAGCATGGTGGAGGGCTTCAAGGTCACGCTCATGGAAATCTAGCCCTGGGTTT-3'
Protein context (NP_079191.2, residues 600-620): HYSNEDTFIL[Asn610Tyr]MESMVEGFKV

ClinVar aggregate classification (germline): Uncertain significance (1 of 4 stars; one submission).

Submission:

Labcorp Genetics (formerly Invitae), Labcorp
Classification: Uncertain significance. Last evaluated: 2025-06-05. Review status: criteria provided, single submitter. Criteria: Invitae Variant Classification Sherloc (09022015). Collection method: clinical testing. Allele origin: germline.
Comment: This sequence change replaces asparagine, which is neutral and polar, with tyrosine, which is neutral and polar, at codon 610 of the GRHL2 protein (p.Asn610Tyr). This variant is not present in population databases (gnomAD no frequency). This variant has not been reported in the literature in individuals affected with GRHL2-related conditions. Invitae Evidence Modeling of protein sequence and biophysical properties (such as structural, functional, and spatial information, amino acid conservation, physicochemical variation, residue mobility, and thermodynamic stability) indicates that this missense variant is expected to disrupt GRHL2 protein function with a positive predictive value of 80%. In summary, the available evidence is currently insufficient to determine the role of this variant in disease. Therefore, it has been classified as a Variant of Uncertain Significance.